The following is an entry in ClinVar:

NM_015158.5(KANK1):c.221C>T (p.Pro74Leu)

Gene: KANK1 (KN motif and ankyrin repeat domains 1; plus strand). Cytogenetic location: 9p24.3.
Variant type: single nucleotide variant.
Coding change: c.221C>T on transcript NM_015158.5 (MANE Select); coding-DNA position 221, C replaced by T.
Protein change: p.Pro74Leu; replaces proline 74 with leucine.
Molecular consequence: missense variant. On other transcripts: 5 prime UTR variant (12), non-coding transcript variant (1).
Genome position (GRCh38, 1-based): chr9:710,987, C>T. VCF-style: chr9-710987-C-T. GRCh37 (hg19) VCF-style: chr9-710987-C-T.
Other names: c.221C>T, p.Pro74Leu (NM_001256876.3, NM_001256877.3, NM_001354331.2 and 2 more transcripts); c.-254C>T (NM_001354333.2, NM_001354335.2, NM_001354336.2 and 9 more transcripts); c.221C>T (NM_015158.2); short protein forms P74L.
Identifiers: ClinVar variation 1932660 (VCV001932660.6), dbSNP rs138546034, ClinGen allele CA4959890.

ClinVar aggregate classification (germline): Conflicting classifications of pathogenicity. Review status: criteria provided, conflicting classifications (1 of 4 stars). 2 submissions from 2 submitters: Uncertain significance (1); Likely benign (1). Last evaluated 2025-04-16.

Allele frequency attached by ClinVar (database versions not stated): ExAC 0.00001; ESP Exome Variant Server 0.00008.
gnomAD v4.1: 17 of 1,614,052 alleles (0.0011%); highest among the groups gnomAD compares: African/African-American, 0.02%; no homozygotes.

Submissions (2):

Ambry Genetics
Classification: Likely benign. Last evaluated: 2025-04-16. Review status: criteria provided, single submitter. Criteria: Ambry Variant Classification Scheme 2023. Collection method: clinical testing. Allele origin: germline.

Labcorp Genetics (formerly Invitae), Labcorp
Classification: Uncertain significance. Last evaluated: 2024-01-15. Review status: criteria provided, single submitter. Criteria: Invitae Variant Classification Sherloc (09022015). Collection method: clinical testing. Allele origin: germline.
Comment: This sequence change replaces proline, which is neutral and non-polar, with leucine, which is neutral and non-polar, at codon 74 of the KANK1 protein (p.Pro74Leu). This variant is present in population databases (rs138546034, gnomAD 0.008%). This variant has not been reported in the literature in individuals affected with KANK1-related conditions. ClinVar contains an entry for this variant (Variation ID: 1932660). Algorithms developed to predict the effect of missense changes on protein structure and function output the following: SIFT: "Not Available"; PolyPhen-2: "Benign"; Align-GVGD: "Not Available". The leucine amino acid residue is found in multiple mammalian species, which suggests that this missense change does not adversely affect protein function. In summary, the available evidence is currently insufficient to determine the role of this variant in disease. Therefore, it has been classified as a Variant of Uncertain Significance.